The following is an entry in ClinVar:

NM_015559.3(SETBP1):c.1016A>G (p.Lys339Arg)

Gene: SETBP1 (SET binding protein 1; plus strand). Cytogenetic location: 18q12.3.
Variant type: single nucleotide variant.
Coding change: c.1016A>G on transcript NM_015559.3 (MANE Select); coding-DNA position 1016, A replaced by G.
Protein change: p.Lys339Arg; replaces lysine 339 with arginine.
Molecular consequence: missense variant.
Genome position (GRCh38, 1-based): chr18:44,950,356, A>G. VCF-style: chr18-44950356-A-G. GRCh37 (hg19) VCF-style: chr18-42530321-A-G.
Other names: c.1016A>G, p.Lys339Arg (NM_001379141.1, NM_001379142.1, NM_001410862.1); short protein forms K339R.
Identifiers: ClinVar variation 4847909 (VCV004847909.1).

ClinVar aggregate classification (germline): Uncertain significance (1 of 4 stars; one submission).

Submission:

Women's Health and Genetics/Laboratory Corporation of America, LabCorp
Classification: Uncertain significance. Last evaluated: 2026-02-11. Review status: criteria provided, single submitter. Criteria: LabCorp Variant Classification Summary - May 2015. Collection method: clinical testing. Allele origin: germline.
Comment: Variant summary: SETBP1 c.1016A>G (p.Lys339Arg) results in a conservative amino acid change in the encoded protein sequence. Algorithms developed to predict the effect of missense changes on protein structure and function are either unavailable or do not agree on the potential impact of this missense change. The variant was absent in 248814 control chromosomes. The available data on variant occurrences in the general population are insufficient to allow any conclusion about variant significance. To our knowledge, no occurrence of c.1016A>G in individuals affected with SETBP1-related conditions and no experimental evidence demonstrating its impact on protein function have been reported. No submitters have cited clinical-significance assessments for this variant to ClinVar. Based on the evidence outlined above, the variant was classified as uncertain significance.